The following is an entry in ClinVar:

NM_001142800.2(EYS):c.3131A>G (p.Asn1044Ser)

Gene: EYS (eyes shut homolog; minus strand). Cytogenetic location: 6q12.
Variant type: single nucleotide variant.
Coding change: c.3131A>G on transcript NM_001142800.2 (MANE Select); coding-DNA position 3131, A replaced by G.
Protein change: p.Asn1044Ser; replaces asparagine 1044 with serine.
Molecular consequence: missense variant.
Genome position (GRCh38, 1-based): chr6:64,822,684, T>C on the plus strand (A>G on the coding strand, the complement: EYS is on the minus strand). VCF-style: chr6-64822684-T-C. GRCh37 (hg19) VCF-style: chr6-65532577-T-C.
Other names: c.3131A>G, p.Asn1044Ser (NM_001292009.2); c.3131A>G (NM_001142800.1); short protein forms N1044S.
Identifiers: ClinVar variation 2157070 (VCV002157070.2), dbSNP rs985352881, ClinGen allele CA140369227.

ClinVar aggregate classification (germline): Uncertain significance. Review status: criteria provided, multiple submitters, no conflicts (2 of 4 stars). 2 submissions from 2 submitters: Uncertain significance (2). Last evaluated 2023-07-27.

Allele frequency attached by ClinVar (database versions not stated): gnomAD exomes below 0.00001; gnomAD 0.00003; TOPMed 0.00006.
gnomAD v4.1: 7 of 1,545,800 alleles (0.00045%); highest among the groups gnomAD compares: Admixed American, 0.012%; no homozygotes.

Submissions (2):

Women's Health and Genetics/Laboratory Corporation of America, LabCorp
Classification: Uncertain significance. Last evaluated: 2023-07-27. Review status: criteria provided, single submitter. Criteria: LabCorp Variant Classification Summary - May 2015. Collection method: clinical testing. Allele origin: germline.
Comment: Variant summary: EYS c.3131A>G (p.Asn1044Ser) results in a conservative amino acid change in the encoded protein sequence. Four of five in-silico tools predict a benign effect of the variant on protein function. The variant was absent in 151724 control chromosomes. The available data on variant occurrences in the general population are insufficient to allow any conclusion about variant significance. c.3131A>G has been reported in the literature in individuals affected with Retinitis Pigmentosa (Colombo_2021). This report does not provide unequivocal conclusions about association of the variant with Retinitis Pigmentosa. To our knowledge, no experimental evidence demonstrating an impact on protein function has been reported. The following publication have been ascertained in the context of this evaluation (PMID: 33576794). One submitter has cited clinical-significance assessments for this variant to ClinVar after 2014 and has classified the variant as uncertain significance. Based on the evidence outlined above, the variant was classified as uncertain significance.

Labcorp Genetics (formerly Invitae), Labcorp
Classification: Uncertain significance. Last evaluated: 2022-02-02. Review status: criteria provided, single submitter. Criteria: Invitae Variant Classification Sherloc (09022015). Collection method: clinical testing. Allele origin: germline.
Comment: This sequence change replaces asparagine, which is neutral and polar, with serine, which is neutral and polar, at codon 1044 of the EYS protein (p.Asn1044Ser). This variant is not present in population databases (gnomAD no frequency). This missense change has been observed in individual(s) with retinitis pigmentosa (PMID: 33576794). Algorithms developed to predict the effect of missense changes on protein structure and function are either unavailable or do not agree on the potential impact of this missense change (SIFT: "Deleterious"; PolyPhen-2: "Possibly Damaging"; Align-GVGD: "Class C15"). In summary, the available evidence is currently insufficient to determine the role of this variant in disease. Therefore, it has been classified as a Variant of Uncertain Significance.

Literature cited by the submitters: PubMed 33576794 (cited by Women's Health and Genetics/Laboratory Corporation of America, LabCorp and Labcorp Genetics (formerly Invitae), Labcorp).